The following is an entry in ClinVar:

ClinVar aggregate classification (germline): Uncertain significance (1 of 4 stars; one submission).

Conditions:
Familial cold autoinflammatory syndrome 3 (FCAS3). Also called: FAMILIAL ATYPICAL COLD URTICARIA; ANTIBODY DEFICIENCY AND IMMUNE DYSREGULATION, PLCG2-ASSOCIATED. Identifiers: Orphanet 300359, MedGen C3280914, MONDO:0013766, OMIM 614468.

Allele frequency attached by ClinVar (database versions not stated): gnomAD exomes below 0.00001; ExAC 0.00001.
gnomAD v4.1: 2 of 1,607,232 alleles (0.00012%); highest among the groups gnomAD compares: Non-Finnish European, 0.000085%; no homozygotes.

Submission:

Labcorp Genetics (formerly Invitae), Labcorp
Classification: Uncertain significance for Familial cold autoinflammatory syndrome 3. Last evaluated: 2025-09-10. Review status: criteria provided, single submitter. Criteria: Invitae Variant Classification Sherloc (09022015). Collection method: clinical testing. Allele origin: germline.
Comment: This sequence change replaces glycine, which is neutral and non-polar, with serine, which is neutral and polar, at codon 1069 of the PLCG2 protein (p.Gly1069Ser). The frequency data for this variant in the population databases is considered unreliable, as metrics indicate poor data quality at this position in the gnomAD database. This variant has not been reported in the literature in individuals affected with PLCG2-related conditions. ClinVar contains an entry for this variant (Variation ID: 2060627). An algorithm developed to predict the effect of missense changes on protein structure and function (PolyPhen-2) suggests that this variant is likely to be disruptive. In summary, the available evidence is currently insufficient to determine the role of this variant in disease. Therefore, it has been classified as a Variant of Uncertain Significance.

NM_002661.5(PLCG2):c.3205G>A (p.Gly1069Ser)

Gene: PLCG2 (phospholipase C gamma 2; plus strand). Cytogenetic location: 16q23.3.
Variant type: single nucleotide variant.
Coding change: c.3205G>A on transcript NM_002661.5 (MANE Select); coding-DNA position 3205, G replaced by A.
Protein change: p.Gly1069Ser; replaces glycine 1069 with serine.
Molecular consequence: missense variant.
Genome position (GRCh38, 1-based): chr16:81,938,807, G>A. VCF-style: chr16-81938807-G-A. GRCh37 (hg19) VCF-style: chr16-81972412-G-A.
Other names: short protein forms G1069S.
Identifiers: ClinVar variation 2060627 (VCV002060627.4), dbSNP rs779506592, ClinGen allele CA8194639.
Genomic context (GRCh38, chr16:81,938,807, plus strand): 5'-GGCTGCCTGTTCAGGACCCCAGGGGGGTTCCAATGCTTCCCTTTGGTGTCCCAGGTTCTC[G>A]GTGCTCGCCATCTCCCCAAACTTGGACGAAGTATTGCCTGTCCCTTTGTAGAAGTGGAGA-3'
Protein context (NP_002652.2, residues 1059-1079): ILMTLTVKVL[Gly1069Ser]ARHLPKLGRS